The following is an entry in ClinVar:

NM_004304.5(ALK):c.4592G>A (p.Gly1531Asp)

Gene: ALK (ALK receptor tyrosine kinase; minus strand). Cytogenetic location: 2p23.2.
Variant type: single nucleotide variant.
Coding change: c.4592G>A on transcript NM_004304.5 (MANE Select); coding-DNA position 4592, G replaced by A.
Protein change: p.Gly1531Asp; replaces glycine 1531 with aspartic acid.
Molecular consequence: missense variant.
Genome position (GRCh38, 1-based): chr2:29,193,495, C>T on the plus strand (G>A on the coding strand, the complement: ALK is on the minus strand). VCF-style: chr2-29193495-C-T. GRCh37 (hg19) VCF-style: chr2-29416361-C-T.
Other names: c.1388G>A, p.Gly463Asp (NM_001353765.2); c.4592G>A (NM_004304.4); short protein forms G463D, G1531D.
Identifiers: ClinVar variation 1037252 (VCV001037252.9), dbSNP rs1668933433, ClinGen allele CA346460652.

ClinVar aggregate classification (germline): Uncertain significance. Review status: criteria provided, multiple submitters, no conflicts (2 of 4 stars). 2 submissions from 2 submitters: Uncertain significance (2). Last evaluated 2025-01-08.

Conditions:
Neuroblastoma, susceptibility to, 3. Also called: ALK-Related Neuroblastic Tumor Susceptibility. Identifiers: Orphanet 635, MedGen C2751681, MONDO:0013083, OMIM 613014.
Hereditary cancer-predisposing syndrome. Also called: Neoplastic Syndromes, Hereditary; Hereditary Cancer Syndrome; Tumor predisposition; Hereditary neoplastic syndrome. Identifiers: Orphanet 140162, MedGen C0027672, MeSH D009386, MONDO:0015356.

Allele frequency attached by ClinVar (database versions not stated): gnomAD exomes below 0.00001.
gnomAD v4.1: 1 of 1,614,206 alleles (0.000062%); highest among the groups gnomAD compares: Non-Finnish European, 0.000085%; no homozygotes.

Submissions (2):

Ambry Genetics
Classification: Uncertain significance for Hereditary cancer-predisposing syndrome. Last evaluated: 2025-01-08. Review status: criteria provided, single submitter. Criteria: Ambry Variant Classification Scheme 2023. Collection method: clinical testing. Allele origin: germline.
Comment: The p.G1531D variant (also known as c.4592G>A), located in coding exon 29 of the ALK gene, results from a G to A substitution at nucleotide position 4592. The glycine at codon 1531 is replaced by aspartic acid, an amino acid with similar properties. This amino acid position is conserved. In addition, this alteration is predicted to be tolerated by in silico analysis. Based on the available evidence, the clinical significance of this variant remains unclear.

Labcorp Genetics (formerly Invitae), Labcorp
Classification: Uncertain significance for Neuroblastoma, susceptibility to, 3. Last evaluated: 2020-03-04. Review status: criteria provided, single submitter. Criteria: Invitae Variant Classification Sherloc (09022015). Collection method: clinical testing. Allele origin: germline.
Comment: This sequence change replaces glycine with aspartic acid at codon 1531 of the ALK protein (p.Gly1531Asp). The glycine residue is moderately conserved and there is a moderate physicochemical difference between glycine and aspartic acid. This variant is not present in population databases (ExAC no frequency). This variant has not been reported in the literature in individuals with ALK-related conditions. Algorithms developed to predict the effect of missense changes on protein structure and function are either unavailable or do not agree on the potential impact of this missense change (SIFT: "Tolerated"; PolyPhen-2: "Benign"; Align-GVGD: "Class C0"). In summary, the available evidence is currently insufficient to determine the role of this variant in disease. Therefore, it has been classified as a Variant of Uncertain Significance.